The following is an entry in ClinVar:

NM_004114.5(FGF13):c.215A>C (p.Lys72Thr)

Gene: FGF13 (fibroblast growth factor 13; minus strand). Cytogenetic location: Xq26.3.
Variant type: single nucleotide variant.
Coding change: c.215A>C on transcript NM_004114.5 (MANE Select); coding-DNA position 215, A replaced by C.
Protein change: p.Lys72Thr; replaces lysine 72 with threonine.
Molecular consequence: missense variant.
Genome position (GRCh38, 1-based): chrX:138,708,901, T>G on the plus strand (A>C on the coding strand, the complement: FGF13 is on the minus strand). VCF-style: chrX-138708901-T-G. GRCh37 (hg19) VCF-style: chrX-137791063-T-G.
Other names: c.77A>C, p.Lys26Thr (NM_001139498.2); c.245A>C, p.Lys82Thr (NM_001139500.2); c.158A>C, p.Lys53Thr (NM_001139501.2, NM_001139502.2); c.56A>C, p.Lys19Thr (NM_033642.3); short protein forms K19T, K53T, K82T, K26T, K72T.
Identifiers: ClinVar variation 4990558 (VCV004990558.1).

ClinVar aggregate classification (germline): Uncertain significance (1 of 4 stars; one submission).

Conditions:
FGF13-related disorder. Also called: FGF13-related condition.

Submission:

PreventionGenetics, part of Exact Sciences
Classification: Uncertain significance for FGF13-related condition. Last evaluated: 2024-10-06. Review status: criteria provided, single submitter. Criteria: ACMG Guidelines, 2015. Collection method: clinical testing. Allele origin: germline.
Comment: The FGF13 c.245A>C variant is predicted to result in the amino acid substitution p.Lys82Thr. To our knowledge, this variant has not been reported in the literature or in a large population database (gnomAD), indicating this variant is rare. At this time, the clinical significance of this variant is uncertain due to the absence of conclusive functional and genetic evidence.